The following is an entry in ClinVar:

ClinVar aggregate classification (germline): Uncertain significance. Review status: criteria provided, multiple submitters, no conflicts (2 of 4 stars). 2 submissions from 2 submitters: Uncertain significance (2). Last evaluated 2024-05-10.

Conditions:
Cataract 1 multiple types. Also called: CATARACT, DUFFY-LINKED; CATARACT 1, NUCLEAR PROGRESSIVE; CATARACT 1 WITH MICROCORNEA; CATARACT 1, POSTERIOR SUBCAPSULAR, WITH MICROCORNEA; CATARACT 1, STELLATE NUCLEAR, WITH MICROCORNEA; CATARACT 1, MULTIPLE TYPES, WITH OR WITHOUT MICROCORNEA. Identifiers: Orphanet 1377, MedGen C1861828, MONDO:0007285, OMIM 116200.

Allele frequency attached by ClinVar (database versions not stated): TOPMed below 0.00001; gnomAD exomes 0.00002; gnomAD 0.00003; ExAC 0.00004.
gnomAD v4.1: 35 of 1,612,968 alleles (0.0022%); highest among the groups gnomAD compares: Non-Finnish European, 0.000085%; no homozygotes.

Submissions (2):

Labcorp Genetics (formerly Invitae), Labcorp
Classification: Uncertain significance for Cataract 1 multiple types. Last evaluated: 2024-05-10. Review status: criteria provided, single submitter. Criteria: Invitae Variant Classification Sherloc (09022015). Collection method: clinical testing. Allele origin: germline.
Comment: This sequence change creates a premature translational stop signal (p.Glu382*) in the GJA8 gene. While this is not anticipated to result in nonsense mediated decay, it is expected to disrupt the last 52 amino acid(s) of the GJA8 protein. This variant is present in population databases (rs782147633, gnomAD 0.08%). This variant has not been reported in the literature in individuals affected with GJA8-related conditions. This variant disrupts a region of the GJA8 protein in which other variant(s) (p.Arg425*) have been observed in individuals with GJA8-related conditions (PMID: 25148791). This suggests that this is a clinically significant region of the protein, and that variants that disrupt it are likely to be disease-causing. In summary, the available evidence is currently insufficient to determine the role of this variant in disease. Therefore, it has been classified as a Variant of Uncertain Significance.

Blueprint Genetics
Classification: Uncertain significance. Last evaluated: 2019-11-26. Review status: criteria provided, single submitter. Criteria: ACMG Guidelines, 2015. Collection method: clinical testing. Allele origin: germline.

Literature cited by the submitters: PubMed 25148791 (cited by Labcorp Genetics (formerly Invitae), Labcorp).

NM_005267.5(GJA8):c.1144G>T (p.Glu382Ter)

Gene: GJA8 (gap junction protein alpha 8; plus strand). Cytogenetic location: 1q21.2.
Variant type: single nucleotide variant.
Coding change: c.1144G>T on transcript NM_005267.5 (MANE Select); coding-DNA position 1144, G replaced by T.
Protein change: p.Glu382Ter; replaces glutamic acid 382 with a stop codon.
Molecular consequence: nonsense.
Genome position (GRCh38, 1-based): chr1:147,909,099, G>T. VCF-style: chr1-147909099-G-T. GRCh37 (hg19) VCF-style: chr1-147381226-G-T.
Other names: short protein forms E382*.
Identifiers: ClinVar variation 2904503 (VCV002904503.4), dbSNP rs782147633, ClinGen allele CA1066103.